The following is an entry in ClinVar:

ClinVar aggregate classification (germline): Uncertain significance. Review status: criteria provided, multiple submitters, no conflicts (2 of 4 stars). 4 submissions from 4 submitters: Uncertain significance (4). Last evaluated 2025-12-23.

Conditions:
DST-related disorder. Also called: DST-related condition; DST-related disorders.
Inborn genetic diseases. Identifiers: MedGen C0950123, MeSH D030342.
Epidermolysis bullosa simplex 3, localized or generalized intermediate, with BP230 deficiency (EBS3). Also called: Epidermolysis bullosa simplex, autosomal recessive 2; Epidermolysis bullosa simplex due to BP230 deficiency. Identifiers: Orphanet 412181, MedGen C3809470, MONDO:0014180, OMIM 615425.
Hereditary sensory and autonomic neuropathy type 6. Also called: HSAN VI; Neuropathy, hereditary sensory and autonomic, type VI. Identifiers: Orphanet 314381, MedGen C3539003, MONDO:0013839, OMIM 614653.

Allele frequency attached by ClinVar (database versions not stated): gnomAD 0.00001; ExAC 0.00003; gnomAD exomes 0.00004 and 0.00005; TOPMed 0.00007.
gnomAD v4.1: 74 of 1,613,720 alleles (0.0046%); highest among the groups gnomAD compares: Admixed American, 0.013%; no homozygotes.

Submissions (4):

PreventionGenetics, part of Exact Sciences
Classification: Uncertain significance for DST-related condition. Last evaluated: 2025-12-23. Review status: criteria provided, single submitter. Criteria: ACMG Guidelines, 2015. Collection method: clinical testing. Allele origin: germline.
Comment: The DST c.12581A>G variant is predicted to result in the amino acid substitution p.Tyr4194Cys. To our knowledge, this variant has not been reported in the literature. This variant is reported in 0.017% of alleles in individuals of Latino descent in gnomAD. At this time, the clinical significance of this variant is uncertain due to the absence of conclusive functional and genetic evidence.

Labcorp Genetics (formerly Invitae), Labcorp
Classification: Uncertain significance for Epidermolysis bullosa simplex 3, localized or generalized intermediate, with BP230 deficiency; Hereditary sensory and autonomic neuropathy type 6. Last evaluated: 2024-11-16. Review status: criteria provided, single submitter. Criteria: Invitae Variant Classification Sherloc (09022015). Collection method: clinical testing. Allele origin: germline.
Comment: The DST gene has multiple clinically relevant transcripts. This variant occurs in alternate transcript NM_015548.4, and corresponds to NM_001723.5:c.*105801A>G in the primary transcript. This sequence change replaces tyrosine, which is neutral and polar, with cysteine, which is neutral and slightly polar, at codon 3690 of the DST protein (p.Tyr3690Cys). This variant is present in population databases (rs781596409, gnomAD 0.02%). This variant has not been reported in the literature in individuals affected with DST-related conditions. Experimental studies and prediction algorithms are not available or were not evaluated, and the functional significance of this variant is currently unknown. In summary, the available evidence is currently insufficient to determine the role of this variant in disease. Therefore, it has been classified as a Variant of Uncertain Significance.

Ambry Genetics
Classification: Uncertain significance for Inborn genetic diseases. Last evaluated: 2023-12-27. Review status: criteria provided, single submitter. Criteria: Ambry Variant Classification Scheme 2023. Collection method: clinical testing. Allele origin: germline.

Mayo Clinic Laboratories, Mayo Clinic
Classification: Uncertain significance. Last evaluated: 2021-06-09. Review status: criteria provided, single submitter. Criteria: ACMG Guidelines, 2015. Collection method: clinical testing. Allele origin: germline.

NM_001374736.1(DST):c.18938A>G (p.Tyr6313Cys)

Gene: DST (dystonin; minus strand). Cytogenetic location: 6p12.1.
Variant type: single nucleotide variant.
Coding change: c.18938A>G on transcript NM_001374736.1 (MANE Select); coding-DNA position 18938, A replaced by G.
Protein change: p.Tyr6313Cys; replaces tyrosine 6313 with cysteine.
Molecular consequence: missense variant.
Genome position (GRCh38, 1-based): chr6:56,509,716, T>C on the plus strand (A>G on the coding strand, the complement: DST is on the minus strand). VCF-style: chr6-56509716-T-C. GRCh37 (hg19) VCF-style: chr6-56374514-T-C.
Other names: p.Tyr3690Cys; c.12581A>G, p.Tyr4194Cys (NM_001144769.5); c.12167A>G, p.Tyr4056Cys (NM_001144770.2); c.18938A>G, p.Tyr6313Cys (NM_001374722.1); c.17978A>G, p.Tyr5993Cys (NM_001374729.1); c.11720A>G, p.Tyr3907Cys (NM_001374730.1); c.18965A>G, p.Tyr6322Cys (NM_001374734.1); c.11069A>G, p.Tyr3690Cys (NM_015548.5); and 2 more; short protein forms Y3907C, Y4056C, Y6313C, Y4016C, Y6322C, Y3690C, Y4194C, Y5993C.
Identifiers: ClinVar variation 964966 (VCV000964966.15), dbSNP rs781596409, ClinGen allele CA3867117.